The following is an entry in ClinVar:

NM_001267550.2(TTN):c.25950T>C (p.His8650=)

Gene: TTN (titin; minus strand). Cytogenetic location: 2q31.2.
Variant type: single nucleotide variant.
Coding change: c.25950T>C on transcript NM_001267550.2 (MANE Select); coding-DNA position 25950, T replaced by C.
Protein change: p.His8650=; no amino-acid change (histidine 8650 retained).
Molecular consequence: synonymous variant. On other transcripts: intron variant (3).
Genome position (GRCh38, 1-based): chr2:178,715,236, A>G on the plus strand (T>C on the coding strand, the complement: TTN is on the minus strand). VCF-style: chr2-178715236-A-G. GRCh37 (hg19) VCF-style: chr2-179579963-A-G.
Other names: c.24999T>C, p.His8333= (NM_001256850.1); c.22218T>C, p.His7406= (NM_133378.4); c.13282+22846T>C (NM_003319.4); c.13858+22846T>C (NM_133437.4); c.13657+22846T>C (NM_133432.3).
Identifiers: ClinVar variation 4823791 (VCV004823791.4).

ClinVar aggregate classification (germline): Likely benign (1 of 4 stars; one submission).

Submission:

CeGaT Center for Human Genetics Tuebingen
Classification: Likely benign. Last evaluated: 2026-03-01. Review status: criteria provided, single submitter. Criteria: CeGaT Center For Human Genetics Tuebingen Variant Classification Criteria Version 2. Collection method: clinical testing. Allele origin: germline. Affected: yes. Observed: 1 variant allele.
Comment: TTN: PM2:Supporting, BP4, BP7